The following is an entry in ClinVar:

ClinVar aggregate classification (germline): Uncertain significance (1 of 4 stars; one submission).

Conditions:
Polycystic kidney disease, adult type (PKD1). Also called: Polycystic Kidney, Autosomal Dominant; POLYCYSTIC KIDNEY DISEASE 1 WITH OR WITHOUT POLYCYSTIC LIVER DISEASE; Polycystic Kidney Disease 1, Autosomal Dominant; Polycystic kidney disease 1; Polycystic kidney disease 1, severe; POLYCYSTIC KIDNEY DISEASE, ADULT, TYPE I. Identifiers: MedGen C3149841, MONDO:0008263, OMIM 173900.

Submission:

3billion
Classification: Uncertain significance for Polycystic kidney disease, adult type. Last evaluated: 2023-12-18. Review status: criteria provided, single submitter. Criteria: ACMG Guidelines, 2015. Collection method: clinical testing. Allele origin: germline. Affected: yes.
Comment: The variant is not observed in the gnomAD v2.1.1 dataset. Predicted Consequence/Location: Inframe insertion located in a nonrepeat region: predicted to change the length of the protein and disrupt normal protein function. Therefore, this variant is classified as VUS according to the recommendation of ACMG/AMP guideline.

NM_001009944.3(PKD1):c.6680ACT[3] (p.Tyr2228_Cys2229insTyr)

Gene: PKD1 (polycystin 1, transient receptor potential channel interacting; minus strand). Cytogenetic location: 16p13.3.
Variant type: Microsatellite.
Coding change: c.6680ACT[3] on transcript NM_001009944.3 (MANE Select); three copies in a row of the 3-base unit ACT starting at c.6680; the reference has two copies in a row; one copy, 3 bases duplicated; also written c.6683_6685dup.
Protein change: p.Tyr2228_Cys2229insTyr.
Molecular consequence: inframe insertion.
Genome position (GRCh38, 1-based): chr16:2,108,482-2,108,484, AGT duplicated on the plus strand (ACT on the coding strand, the reverse complement: PKD1 is on the minus strand); duplicating any 3 consecutive bases within chr16:2,108,482-2,108,487 gives the same sequence; the position shown is the placement nearest the transcript's 3' end. VCF-style (leftmost placement, unchanged base first): chr16-2108481-C-CAGT. GRCh37 (hg19) VCF-style: chr16-2158482-C-CAGT.
Other names: c.6680ACT[3], p.Tyr2228_Cys2229insTyr (NM_000296.4); c.6683_6685dup (NM_001009944.3).
Identifiers: ClinVar variation 3775651 (VCV003775651.1).